The following is an entry in ClinVar:

NM_003824.4(FADD):c.277G>A (p.Gly93Arg)

Genes: FADD (Fas associated via death domain; plus strand), LOC130006295 (ATAC-STARR-seq lymphoblastoid silent region 3699; plus strand). Cytogenetic location: 11q13.3.
Variant type: single nucleotide variant.
Coding change: c.277G>A on transcript NM_003824.4 (MANE Select); coding-DNA position 277, G replaced by A.
Protein change: p.Gly93Arg; replaces glycine 93 with arginine.
Molecular consequence: missense variant.
Genome position (GRCh38, 1-based): chr11:70,203,736, G>A. VCF-style: chr11-70203736-G-A. GRCh37 (hg19) VCF-style: chr11-70049842-G-A.
Other names: short protein forms G93R.
Identifiers: ClinVar variation 3671799 (VCV003671799.1).
Genomic context (GRCh38, chr11:70,203,736, plus strand): 5'-CACGACCTGCTGCGGCGCGTCGACGACTTCGAGGCGGGGGCGGCGGCCGGGGCCGCGCCT[G>A]GGGAAGAAGGTGGGCGCGGGGCCGGGCCGGGGGAGCCAGGGCCTGGTCGCCCGGCTGTAG-3'
Protein context (NP_003815.1, residues 83-103): EAGAAAGAAP[Gly93Arg]EEDLCAAFNV

ClinVar aggregate classification (germline): Uncertain significance (1 of 4 stars; one submission).

Conditions:
FADD-related immunodeficiency. Also called: FADD DEFICIENCY; Infections, recurrent, with encephalopathy, hepatic dysfunction, and cardiovascular malformations. Identifiers: Orphanet 306550, MedGen C3151062, MONDO:0013408, OMIM 613759.

Submission:

Labcorp Genetics (formerly Invitae), Labcorp
Classification: Uncertain significance for FADD-related immunodeficiency. Last evaluated: 2024-04-29. Review status: criteria provided, single submitter. Criteria: Invitae Variant Classification Sherloc (09022015). Collection method: clinical testing. Allele origin: germline.
Comment: This sequence change replaces glycine, which is neutral and non-polar, with arginine, which is basic and polar, at codon 93 of the FADD protein (p.Gly93Arg). The frequency data for this variant in the population databases is considered unreliable, as metrics indicate poor data quality at this position in the gnomAD database. This variant has not been reported in the literature in individuals affected with FADD-related conditions. Algorithms developed to predict the effect of missense changes on protein structure and function output the following: SIFT: "Not Available"; PolyPhen-2: "Benign"; Align-GVGD: "Not Available". The arginine amino acid residue is found in multiple mammalian species, which suggests that this missense change does not adversely affect protein function. In summary, the available evidence is currently insufficient to determine the role of this variant in disease. Therefore, it has been classified as a Variant of Uncertain Significance.